The following is an entry in ClinVar:

NM_177400.3(NKX6-2):c.121A>T (p.Lys41Ter)

Gene: NKX6-2 (NK6 homeobox 2; minus strand). Cytogenetic location: 10q26.3.
Variant type: single nucleotide variant.
Coding change: c.121A>T on transcript NM_177400.3 (MANE Select); coding-DNA position 121, A replaced by T.
Protein change: p.Lys41Ter; replaces lysine 41 with a stop codon.
Molecular consequence: nonsense.
Genome position (GRCh38, 1-based): chr10:132,785,828, T>A on the plus strand (A>T on the coding strand, the complement: NKX6-2 is on the minus strand). VCF-style: chr10-132785828-T-A. GRCh37 (hg19) VCF-style: chr10-134599332-T-A.
Other names: short protein forms K41*.
Identifiers: ClinVar variation 430622 (VCV000430622.14), dbSNP rs1131692047, ClinGen allele CA378772049.
Genomic context (GRCh38, chr10:132,785,828, plus strand): 5'-TGATGCCGTGCGGGGTCCCGAGCGGGAGCTGCGCGCCCAGGCCCCCCAGCGCGGGCGCCT[T>A]GAAGCCGGCCGGACCCTGCAGCGCGTAGGGGAACAGCGACGTCTTCATCTCGGCCATGTT-3'

ClinVar aggregate classification (germline): Pathogenic. Review status: criteria provided, multiple submitters, no conflicts (2 of 4 stars). 6 submissions from 6 submitters: Pathogenic (2). 4 of the submissions do not count toward it. Last evaluated 2023-02-17.

Conditions:
Spastic ataxia 8, autosomal recessive, with hypomyelinating leukodystrophy (SPAX8). Identifiers: Orphanet 527497, MedGen C4479653, MONDO:0033043, OMIM 617560.

gnomAD v4.1: 7 of 1,381,730 alleles (0.00051%); highest among the groups gnomAD compares: South Asian, 0.011%; no homozygotes.

Submissions (6):

Revvity Omics, Revvity
Classification: Pathogenic for Spastic ataxia 8, autosomal recessive, with hypomyelinating leukodystrophy. Last evaluated: 2023-02-17. Review status: criteria provided, single submitter. Criteria: ACMG Guidelines, 2015. Collection method: clinical testing. Allele origin: germline.

Genomic Research Center, Shahid Beheshti University of Medical Sciences
Classification: Pathogenic for Spastic ataxia 8, autosomal recessive, with hypomyelinating leukodystrophy. Last evaluated: 2017-12-18. Review status: criteria provided, single submitter. Criteria: ACMG Guidelines, 2015. Collection method: clinical testing. Allele origin: inherited. Affected: yes.

Solve-RD Consortium
Classification: Likely pathogenic for Spastic ataxia 8, autosomal recessive, with hypomyelinating leukodystrophy. Last evaluated: 2022-06-01. Review status: no assertion criteria provided. Collection method: provider interpretation. Allele origin: inherited. Affected: yes. Not counted in ClinVar's aggregate classification.
Comment: Variant confirmed as disease-causing by referring clinical team

Variant identified during reanalysis of unsolved cases by the Solve-RD project. The Solve-RD project has received funding from the European Union’s Horizon 2020 research and innovation programme under grant agreement No 779257.

Yale Center for Mendelian Genomics, Yale University
Classification: Pathogenic for Spastic ataxia 8, autosomal recessive, with hypomyelinating leukodystrophy. Last evaluated: 2020-02-27. Review status: no assertion criteria provided. Collection method: literature only. Allele origin: germline. Affected: yes. Observed: 1 homozygote. Study: Yale Center for Mendelian Genomics. Not counted in ClinVar's aggregate classification.

OMIM
Classification: Pathogenic for SPASTIC ATAXIA 8, AUTOSOMAL RECESSIVE, WITH HYPOMYELINATING LEUKODYSTROPHY. Last evaluated: 2017-10-18. Review status: no assertion criteria provided. Collection method: literature only. Allele origin: germline. Not counted in ClinVar's aggregate classification.

GeneReviews
No classification provided. Condition: Spastic ataxia 8, autosomal recessive, with hypomyelinating leukodystrophy. Review status: no classification provided. Collection method: literature only. Allele origin: germline. Not counted in ClinVar's aggregate classification.

Literature cited by the submitters: PubMed 39825153 (cited by Solve-RD Consortium); PubMed 31509304 (cited by Yale Center for Mendelian Genomics, Yale University); PubMed 28575651 (cited by OMIM); NCBI Bookshelf NBK531509 (cited by GeneReviews); PubMed 30285346 (cited by GeneReviews).